The following is an entry in ClinVar:

NM_024301.5(FKRP):c.1067T>C (p.Ile356Thr)

Gene: FKRP (fukutin related protein; plus strand). Cytogenetic location: 19q13.32.
Variant type: single nucleotide variant.
Coding change: c.1067T>C on transcript NM_024301.5 (MANE Select); coding-DNA position 1067, T replaced by C.
Protein change: p.Ile356Thr; replaces isoleucine 356 with threonine.
Molecular consequence: missense variant.
Genome position (GRCh38, 1-based): chr19:46,756,517, T>C. VCF-style: chr19-46756517-T-C. GRCh37 (hg19) VCF-style: chr19-47259774-T-C.
Other names: c.1067T>C, p.Ile356Thr (NM_001039885.3); short protein forms I356T.
Identifiers: ClinVar variation 2675705 (VCV002675705.3), dbSNP rs2513996251, ClinGen allele CA406496576.

ClinVar aggregate classification (germline): Likely pathogenic. Review status: criteria provided, multiple submitters, no conflicts (2 of 4 stars). 2 submissions from 2 submitters: Likely pathogenic (2). Last evaluated 2023-03-15.

Conditions:
Muscular dystrophy-dystroglycanopathy type B5 (MDDGB5). Also called: MUSCULAR DYSTROPHY-DYSTROGLYCANOPATHY (CONGENITAL WITH OR WITHOUT IMPAIRED INTELLECTUAL DEVELOPMENT), TYPE B, 5; MUSCULAR DYSTROPHY, CONGENITAL, 1C; MUSCULAR DYSTROPHY, CONGENITAL, FKRP-RELATED. Identifiers: MedGen C1847759, MONDO:0011688, OMIM 606612.
Autosomal recessive limb-girdle muscular dystrophy type 2I. Also called: MUSCULAR DYSTROPHY-DYSTROGLYCANOPATHY (LIMB-GIRDLE), TYPE C, 5; MUSCULAR DYSTROPHY, LIMB-GIRDLE, TYPE 2I; MUSCULAR DYSTROPHY-DYSTROGLYCANOPATHY, LIMB-GIRDLE, FRKP-RELATED. Identifiers: Orphanet 34515, MedGen C1846672, MONDO:0011787, OMIM 607155.
Muscular dystrophy-dystroglycanopathy (congenital with brain and eye anomalies), type A5. Also called: WALKER-WARBURG SYNDROME OR MUSCLE-EYE-BRAIN DISEASE, FKRP-RELATED; MUSCULAR DYSTROPHY-DYSTROGLYCANOPATHY (CONGENITAL WITH BRAIN AND EYE ANOMALIES), TYPE A, 5. Identifiers: Orphanet 588, Orphanet 899, MedGen C3150413, MONDO:0013157, OMIM 613153.

Submissions (2):

Baylor Genetics
Classification: Likely pathogenic for Muscular dystrophy-dystroglycanopathy (congenital with brain and eye anomalies), type A5. Last evaluated: 2023-03-15. Review status: criteria provided, single submitter. Criteria: ACMG Guidelines, 2015. Collection method: clinical testing. Allele origin: unknown.

Juno Genomics, Hangzhou Juno Genomics, Inc
Classification: Likely pathogenic for Muscular dystrophy-dystroglycanopathy type B5; Muscular dystrophy-dystroglycanopathy (congenital with brain and eye anomalies), type A5; Autosomal recessive limb-girdle muscular dystrophy type 2I. Review status: criteria provided, single submitter. Criteria: ACMG Guidelines, 2015. Collection method: clinical testing. Allele origin: germline.
Comment: Absent from controls (or at extremely low frequency if recessive) in Genome Aggregation Database.;Multiple lines of computational evidence support a deleterious effect on the gene or gene product.;For recessive disorders, detected in trans with a pathogenic variant.;Patient's phenotype or family history is highly specific for a disease with a single genetic etiology.